The following is an entry in ClinVar:

NM_006796.3(AFG3L2):c.1498C>T (p.Leu500=)

Gene: AFG3L2 (AFG3 like matrix AAA peptidase subunit 2; minus strand). Cytogenetic location: 18p11.21.
Variant type: single nucleotide variant.
Coding change: c.1498C>T on transcript NM_006796.3 (MANE Select); coding-DNA position 1498, C replaced by T.
Protein change: p.Leu500=; no amino-acid change (leucine 500 retained).
Molecular consequence: synonymous variant.
Genome position (GRCh38, 1-based): chr18:12,351,139, G>A on the plus strand (C>T on the coding strand, the complement: AFG3L2 is on the minus strand). VCF-style: chr18-12351139-G-A. GRCh37 (hg19) VCF-style: chr18-12351138-G-A.
Identifiers: ClinVar variation 2993897 (VCV002993897.25), dbSNP rs2510226960, ClinGen allele CA502964920.
Genomic context (GRCh38, chr18:12,351,139, plus strand): 5'-ACTCACCTGAAAACCCTGGAGTTAAAGATGCCAGTTTTCTTGCCAATTTATCCTTCTCCA[G>A]GGTACTGTCCAGTTTTAGCGGTCGGAGATGAACTTTGAAAATAGAAGCTCTTCCTTTTAT-3'
Protein context (NP_006787.2, residues 490-510): HLRPLKLDST[Leu500=]EKDKLARKLA

ClinVar aggregate classification (germline): Likely benign. Review status: criteria provided, multiple submitters, no conflicts (2 of 4 stars). 2 submissions from 2 submitters: Likely benign (2). Last evaluated 2026-01-01.

Allele frequency attached by ClinVar (database versions not stated): gnomAD exomes below 0.00001.
gnomAD v4.1: 6 of 1,613,938 alleles (0.00037%); highest among the groups gnomAD compares: Non-Finnish European, 0.00017%; no homozygotes.

Submissions (2):

CeGaT Center for Human Genetics Tuebingen
Classification: Likely benign. Last evaluated: 2026-01-01. Review status: criteria provided, single submitter. Criteria: CeGaT Center For Human Genetics Tuebingen Variant Classification Criteria Version 2. Collection method: clinical testing. Allele origin: germline. Affected: yes. Observed: 2 variant alleles.
Comment: AFG3L2: BP4, BP7

Labcorp Genetics (formerly Invitae), Labcorp
Classification: Likely benign. Last evaluated: 2023-10-17. Review status: criteria provided, single submitter. Criteria: Invitae Variant Classification Sherloc (09022015). Collection method: clinical testing. Allele origin: germline.